The following is an entry in ClinVar:

NM_024580.6(EFL1):c.2157C>T (p.His719=)

Gene: EFL1 (elongation factor like GTPase 1; minus strand). Cytogenetic location: 15q25.2.
Variant type: single nucleotide variant.
Coding change: c.2157C>T on transcript NM_024580.6 (MANE Select); coding-DNA position 2157, C replaced by T.
Protein change: p.His719=; no amino-acid change (histidine 719 retained).
Molecular consequence: synonymous variant. On other transcripts: non-coding transcript variant (1).
Genome position (GRCh38, 1-based): chr15:82,152,297, G>A on the plus strand (C>T on the coding strand, the complement: EFL1 is on the minus strand). VCF-style: chr15-82152297-G-A. GRCh37 (hg19) VCF-style: chr15-82444638-G-A.
Other names: c.1368C>T, p.His456= (NM_001322844.2); c.2157C>T, p.His719= (NM_001322845.2); c.2004C>T, p.His668= (NM_001040610.3).
Identifiers: ClinVar variation 3906105 (VCV003906105.10).
Genomic context (GRCh38, chr15:82,152,297, plus strand): 5'-TAGCCCGTCAGAGTCAACTTGGATTCCTTCAGGGATTTTGCTTTGATCTTCTTTCATTTG[G>A]TGTATGACTGCAACTTTTTGCTGTTTGCCTATTTCTTCATTGACCATGTCAACTTTTGGG-3'
Protein context (NP_078856.4, residues 709-729): IGKQQKVAVI[His719=]QMKEDQSKIP

ClinVar aggregate classification (germline): Uncertain significance (1 of 4 stars; one submission).

Submission:

CeGaT Center for Human Genetics Tuebingen
Classification: Uncertain significance. Last evaluated: 2025-06-01. Review status: criteria provided, single submitter. Criteria: CeGaT Center For Human Genetics Tuebingen Variant Classification Criteria Version 2. Collection method: clinical testing. Allele origin: germline. Affected: yes. Observed: 1 variant allele.
Comment: EFL1: PM2:Supporting, BP4